The following is an entry in ClinVar:

NM_003238.6(TGFB2):c.28del (p.Phe9_Leu10insTer)

Gene: TGFB2 (transforming growth factor beta 2; plus strand). Cytogenetic location: 1q41.
Variant type: Deletion.
Coding change: c.28del on transcript NM_003238.6 (MANE Select); coding-DNA position 28, one base deleted (C; older notation c.28delC).
Protein change: p.Phe9_Leu10insTer.
Molecular consequence: nonsense. On other transcripts: non-coding transcript variant (2).
Genome position (GRCh38, 1-based): chr1:218,346,729, C deleted. VCF-style (leftmost placement, unchanged base first): chr1-218346728-TC-T. GRCh37 (hg19) VCF-style: chr1-218520070-TC-T.
Other names: c.28del, p.Phe9_Leu10insTer (NM_001135599.4).
Identifiers: ClinVar variation 1797425 (VCV001797425.2), dbSNP rs2464548279, ClinGen allele CA2580062180.

ClinVar aggregate classification (germline): Pathogenic (1 of 4 stars; one submission).

Conditions:
Familial thoracic aortic aneurysm and aortic dissection (TAAD). Also called: Thoracic aortic aneurysms and dissections. Identifiers: Orphanet 91387, MedGen C4707243, MONDO:0019625.

Submission:

Ambry Genetics
Classification: Pathogenic for Familial thoracic aortic aneurysm and aortic dissection. Last evaluated: 2019-02-14. Review status: criteria provided, single submitter. Criteria: Ambry Variant Classification Scheme 2023. Collection method: clinical testing. Allele origin: germline.
Comment: The c.28delC pathogenic mutation, located in coding exon 1 of the TGFB2 gene, results from a deletion of one nucleotide at nucleotide position 28, causing a translational frameshift with a predicted alternate stop codon (p.L10*). This alteration is expected to result in loss of function by premature protein truncation or nonsense-mediated mRNA decay. As such, this alteration is interpreted as a disease-causing mutation.